The following is an entry in ClinVar:

NM_014629.4(ARHGEF10):c.3332A>G (p.His1111Arg)

Gene: ARHGEF10 (Rho guanine nucleotide exchange factor 10; plus strand). Cytogenetic location: 8p23.3.
Variant type: single nucleotide variant.
Coding change: c.3332A>G on transcript NM_014629.4 (MANE Select); coding-DNA position 3332, A replaced by G.
Protein change: p.His1111Arg; replaces histidine 1111 with arginine.
Molecular consequence: missense variant.
Genome position (GRCh38, 1-based): chr8:1,945,590, A>G. VCF-style: chr8-1945590-A-G. GRCh37 (hg19) VCF-style: chr8-1893756-A-G.
Other names: c.3218A>G, p.His1073Arg (NM_001308152.2); c.3332A>G, p.His1111Arg (NM_001308153.3); short protein forms H1073R, H1111R, H1135R.
Identifiers: ClinVar variation 3234554 (VCV003234554.20), dbSNP rs2538214076, ClinGen allele CA369956370.

ClinVar aggregate classification (germline): Uncertain significance (1 of 4 stars; one submission).

Submission:

CeGaT Center for Human Genetics Tuebingen
Classification: Uncertain significance. Last evaluated: 2024-04-01. Review status: criteria provided, single submitter. Criteria: CeGaT Center For Human Genetics Tuebingen Variant Classification Criteria Version 2. Collection method: clinical testing. Allele origin: germline. Affected: yes. Observed: 1 variant allele.
Comment: ARHGEF10: PM2